The following is an entry in ClinVar:

NM_000171.4(GLRA1):c.41C>T (p.Thr14Ile)

Gene: GLRA1 (glycine receptor alpha 1; minus strand). Cytogenetic location: 5q33.1.
Variant type: single nucleotide variant.
Coding change: c.41C>T on transcript NM_000171.4 (MANE Select); coding-DNA position 41, C replaced by T.
Protein change: p.Thr14Ile; replaces threonine 14 with isoleucine.
Molecular consequence: missense variant. On other transcripts: 5 prime UTR variant (1).
Genome position (GRCh38, 1-based): chr5:151,924,509, G>A on the plus strand (C>T on the coding strand, the complement: GLRA1 is on the minus strand). VCF-style: chr5-151924509-G-A. GRCh37 (hg19) VCF-style: chr5-151304070-G-A.
Other names: c.41C>T, p.Thr14Ile (NM_001146040.2); c.-81C>T (NM_001292000.2); short protein forms T14I.
Identifiers: ClinVar variation 2833686 (VCV002833686.3), dbSNP rs2480121442, ClinGen allele CA361899961.

ClinVar aggregate classification (germline): Uncertain significance (1 of 4 stars; one submission).

Conditions:
Hereditary hyperekplexia. Identifiers: Orphanet 3197, MedGen C4084968, MONDO:0021022.

Submission:

Labcorp Genetics (formerly Invitae), Labcorp
Classification: Uncertain significance for Hereditary hyperekplexia. Last evaluated: 2023-02-01. Review status: criteria provided, single submitter. Criteria: Invitae Variant Classification Sherloc (09022015). Collection method: clinical testing. Allele origin: germline.
Comment: In summary, the available evidence is currently insufficient to determine the role of this variant in disease. Therefore, it has been classified as a Variant of Uncertain Significance. This sequence change replaces threonine, which is neutral and polar, with isoleucine, which is neutral and non-polar, at codon 14 of the GLRA1 protein (p.Thr14Ile). This variant is not present in population databases (gnomAD no frequency). This variant has not been reported in the literature in individuals affected with GLRA1-related conditions. Advanced modeling of protein sequence and biophysical properties (such as structural, functional, and spatial information, amino acid conservation, physicochemical variation, residue mobility, and thermodynamic stability) performed at Invitae indicates that this missense variant is not expected to disrupt GLRA1 protein function.